The following is an entry in ClinVar:

NM_020529.3(NFKBIA):c.32G>A (p.Trp11Ter)

Genes: NFKBIA (NFKB inhibitor alpha; minus strand), LOC130055497 (ATAC-STARR-seq lymphoblastoid silent region 5676; plus strand). Cytogenetic location: 14q13.2.
Variant type: single nucleotide variant.
Coding change: c.32G>A on transcript NM_020529.3 (MANE Select); coding-DNA position 32, G replaced by A.
Protein change: p.Trp11Ter; replaces tryptophan 11 with a stop codon.
Molecular consequence: nonsense.
Genome position (GRCh38, 1-based): chr14:35,404,613, C>T on the plus strand (G>A on the coding strand, the complement: NFKBIA is on the minus strand). VCF-style: chr14-35404613-C-T. GRCh37 (hg19) VCF-style: chr14-35873819-C-T.
Other names: short protein forms W11*.
Identifiers: ClinVar variation 14004 (VCV000014004.8), dbSNP rs121913664, ClinGen allele CA123693.
Genomic context (GRCh38, chr14:35,404,613, plus strand): 5'-TCGTGGCGGTCGTCCAGTAGCCGCTCCTTCTTCAGCCCGTCGCGGGGGCCCTCCATGGCC[C>T]ACTCCTGGGGGCGCTCGGCCGCCTGGAACATGGCGCGGACGAGCTGCGGGCGCTGCTGCG-3'

ClinVar aggregate classification (germline): Conflicting classifications of pathogenicity. Review status: criteria provided, conflicting classifications (1 of 4 stars). 4 submissions from 4 submitters: Pathogenic (1); Likely pathogenic (1); Uncertain significance (1). 1 of the submissions does not count toward it. Last evaluated 2022-09-23.

Conditions:
Inherited Immunodeficiency Diseases. Identifiers: MedGen C5197805, MeSH D000081207.
NFKBIA-related disorder. Also called: NFKBIA-related condition.
Ectodermal dysplasia and immunodeficiency 2. Identifiers: Orphanet 238468, Orphanet 98813, MedGen C2677481, MONDO:0012806, OMIM 612132.

Submissions (4):

Labcorp Genetics (formerly Invitae), Labcorp
Classification: Uncertain significance for Ectodermal dysplasia and immunodeficiency 2. Last evaluated: 2022-09-23. Review status: criteria provided, single submitter. Criteria: Invitae Variant Classification Sherloc (09022015). Collection method: clinical testing. Allele origin: germline.
Comment: This sequence change creates a premature translational stop signal (p.Trp11*) in the NFKBIA gene. It is expected to result in an absent or disrupted protein product. However, the current clinical and genetic evidence is not sufficient to establish whether loss-of-function variants in NFKBIA cause disease. This variant is not present in population databases (gnomAD no frequency). This premature translational stop signal has been observed in individuals with clinical features of anhidrotic ectodermal dysplasia with T-cell immunodeficiency and/or primary immune deficiency (PMID: 17931563, 32581362; Invitae). ClinVar contains an entry for this variant (Variation ID: 14004). Algorithms developed to predict the effect of variants on protein structure and function are not available or were not evaluated for this variant. Experimental studies are conflicting or provide insufficient evidence to determine the effect of this variant on NFKBIA function (PMID: 17931563, 28629746). In summary, the available evidence is currently insufficient to determine the role of this variant in disease. Therefore, it has been classified as a Variant of Uncertain Significance.

Blueprint Genetics
Classification: Likely pathogenic for NFKBIA-related disorders. Last evaluated: 2019-04-23. Review status: criteria provided, single submitter. Criteria: ACMG Guidelines, 2015. Collection method: clinical testing. Allele origin: germline. Affected: yes. Observed: 1 variant allele.

NIHR Bioresource Rare Diseases, University of Cambridge
Classification: Pathogenic for Inherited Immunodeficiency Diseases. Last evaluated: 2019-01-01. Review status: criteria provided, single submitter. Criteria: ACMG Guidelines, 2015. Collection method: research. Allele origin: germline. Affected: yes. Observed: 2 heterozygotes. Clinical features observed: Increased IgA level (HP:0003261), Recurrent lower respiratory tract infections (HP:0005955), Neoplasm (HP:0006741).

OMIM
Classification: Pathogenic for ECTODERMAL DYSPLASIA AND IMMUNODEFICIENCY 2. Last evaluated: 2007-10-01. Review status: no assertion criteria provided. Collection method: literature only. Allele origin: germline. Not counted in ClinVar's aggregate classification.

Literature cited by the submitters: PubMed 17931563 (cited by Labcorp Genetics (formerly Invitae), Labcorp and OMIM); PubMed 32581362 (cited by Labcorp Genetics (formerly Invitae), Labcorp); PubMed 28629746 (cited by Labcorp Genetics (formerly Invitae), Labcorp).